The following is an entry in ClinVar:

ClinVar aggregate classification (germline): Uncertain significance (1 of 4 stars; one submission).

Conditions:
Hereditary cancer-predisposing syndrome. Also called: Neoplastic Syndromes, Hereditary; Tumor predisposition; Hereditary Cancer Syndrome; Hereditary neoplastic syndrome. Identifiers: Orphanet 140162, MedGen C0027672, MeSH D009386, MONDO:0015356.

Submission:

Ambry Genetics
Classification: Uncertain significance for Hereditary cancer-predisposing syndrome. Last evaluated: 2026-05-22. Review status: criteria provided, single submitter. Criteria: Ambry Variant Classification Scheme 2023. Collection method: clinical testing. Allele origin: germline.
Comment: The p.Q754E variant (also known as c.2260C>G), located in coding exon 14 of the ATM gene, results from a C to G substitution at nucleotide position 2260. The glutamine at codon 754 is replaced by glutamic acid, an amino acid with highly similar properties. This amino acid position is well conserved in available vertebrate species. In addition, the in silico prediction for this alteration is inconclusive. Based on the available evidence, the clinical significance of this variant remains unclear.

NM_000051.4(ATM):c.2260C>G (p.Gln754Glu)

Gene: ATM (ATM serine/threonine kinase; plus strand). Cytogenetic location: 11q22.3.
Variant type: single nucleotide variant.
Coding change: c.2260C>G on transcript NM_000051.4 (MANE Select); coding-DNA position 2260, C replaced by G.
Protein change: p.Gln754Glu; replaces glutamine 754 with glutamic acid.
Molecular consequence: missense variant.
Genome position (GRCh38, 1-based): chr11:108,257,490, C>G. VCF-style: chr11-108257490-C-G. GRCh37 (hg19) VCF-style: chr11-108128217-C-G.
Other names: c.2260C>G, p.Gln754Glu (NM_001351834.2); short protein forms Q754E.
Identifiers: ClinVar variation 4866985 (VCV004866985.1).
Genomic context (GRCh38, chr11:108,257,490, plus strand): 5'-CTAAACTATAATTTTAACTGGAATTTGCATTTTTCCTTCTATTCACAATAGTCTCTAATG[C>G]AATGTGCAGGAGAAAGTATCACTCTGTTTAAAAATAAGACAAATGAGGAATTCAGAATTG-3'
Protein context (NP_000042.3, residues 744-764): ELFQKAKSLM[Gln754Glu]CAGESITLFK